The following is an entry in ClinVar:

ClinVar aggregate classification (germline): Uncertain significance. Review status: criteria provided, single submitter (1 of 4 stars). 2 submissions from 2 submitters: Uncertain significance (1). 1 of the submissions does not count toward it. Last evaluated 2026-07-06.

Conditions:
Neurodegeneration with brain iron accumulation 5 (NBIA5). Also called: STATIC ENCEPHALOPATHY OF CHILDHOOD WITH NEURODEGENERATION IN ADULTHOOD; Beta-propeller protein-associated neurodegeneration. Identifiers: Orphanet 329284, MedGen C3550973, MONDO:0010476, OMIM 300894.

Submissions (2):

Kasturba Medical College, Manipal, Kasturba Medical College, Manipal, Manipal Academy of Higher Education, Manipal, India
Classification: Uncertain significance for Neurodegeneration with brain iron accumulation 5. Last evaluated: 2026-07-06. Review status: criteria provided, single submitter. Criteria: ACMG Guidelines, 2015. Collection method: research. Allele origin: unknown. Inheritance: X-linked dominant inheritance. Affected: yes. Observed: 1 variant allele, 1 heterozygote.
Comment: Father sample was not available for testing. This variant is absent in the gnomAD (v4.1.0) population database and in our in-house database of 4303 exomes. This variant is reported in ClinVar as likely pathogenic by a single submitter (Accession: VCV001184258.3). In-silico analysis tools (CADD_phred and MutationTaster) predict the variant to be disease-causing and likely to affect the WDR45 protein function.

Cytoplasmic Inheritance Laboratory, Institute of Genetics and Cytology
Classification: Likely pathogenic for Neurodegeneration with brain iron accumulation 5. Last evaluated: 2021-03-29. Review status: no assertion criteria provided. Collection method: clinical testing. Allele origin: de novo. Affected: yes. Observed: 1 variant allele. Not counted in ClinVar's aggregate classification.
Comment: The variant was absent from large population studies. The results of programs for predicting pathogenicity in silico confirm the pathogenic effect of a variant on the gene product. Investigated substitution is classified as likely pathogenic based on the following ACMG criteria: PM2; PM6, PP3, and PP4.

The variant is absent in publicly available population databases (gnomAD, 1000Genomes, HGMD).

NM_001029896.2(WDR45):c.755T>C (p.Leu252Pro)

Gene: WDR45 (WD repeat domain 45; minus strand). Cytogenetic location: Xp11.23.
Variant type: single nucleotide variant.
Coding change: c.755T>C on transcript NM_001029896.2 (MANE Select); coding-DNA position 755, T replaced by C.
Protein change: p.Leu252Pro; replaces leucine 252 with proline.
Molecular consequence: missense variant.
Genome position (GRCh38, 1-based): chrX:49,075,436, A>G on the plus strand (T>C on the coding strand, the complement: WDR45 is on the minus strand). VCF-style: chrX-49075436-A-G. GRCh37 (hg19) VCF-style: chrX-48933095-A-G.
Other names: c.758T>C, p.Leu253Pro (NM_007075.4); short protein forms L252P, L253P.
Identifiers: ClinVar variation 1184258 (VCV001184258.4), dbSNP rs2147815172, ClinGen allele CA412943017.